The following is an entry in ClinVar:

NM_001326411.2(PISD):c.620A>C (p.Gln207Pro)

Gene: PISD (phosphatidylserine decarboxylase; minus strand). Cytogenetic location: 22q12.2.
Variant type: single nucleotide variant.
Coding change: c.620A>C on transcript NM_001326411.2 (MANE Select); coding-DNA position 620, A replaced by C.
Protein change: p.Gln207Pro; replaces glutamine 207 with proline.
Molecular consequence: missense variant.
Genome position (GRCh38, 1-based): chr22:31,621,411, T>G on the plus strand (A>C on the coding strand, the complement: PISD is on the minus strand). VCF-style: chr22-31621411-T-G. GRCh37 (hg19) VCF-style: chr22-32017397-T-G.
Other names: c.557A>C, p.Gln186Pro (NM_001326412.1, NM_001326413.2, NM_001326414.2); c.518A>C, p.Gln173Pro (NM_001326415.2, NM_001326416.2, NM_001326417.2 and 3 more transcripts); c.440A>C, p.Gln147Pro (NM_001326418.2, NM_001326420.2); c.620A>C, p.Gln207Pro (NM_001326421.1); short protein forms Q147P, Q173P, Q186P, Q207P.
Identifiers: ClinVar variation 1723543 (VCV001723543.2), dbSNP rs2072562398, ClinGen allele CA411287409.
Genomic context (GRCh38, chr22:31,621,411, plus strand): 5'-TCCTCTGTGCACATACGCGGGCCCAGGAACGACTCCAGGGAGTAGGTGACCCCCTTTACC[T>G]GCTCCACCTCACAGTTCTTCACCTGCCCAAAGTTGAGGATCCTTCCATCCGATGGGCTAA-3'
Protein context (NP_001313340.1, residues 197-217): FGQVKNCEVE[Gln207Pro]VKGVTYSLES

ClinVar aggregate classification (germline): Uncertain significance (1 of 4 stars; one submission).

Allele frequency attached by ClinVar (database versions not stated): gnomAD exomes below 0.00001; gnomAD 0.00001.
gnomAD v4.1: 2 of 1,613,986 alleles (0.00012%); highest among the groups gnomAD compares: Non-Finnish European, 0.00017%; no homozygotes.

Submission:

GeneDx
Classification: Uncertain significance. Last evaluated: 2022-05-12. Review status: criteria provided, single submitter. Criteria: GeneDx Variant Classification Process June 2021. Collection method: clinical testing. Allele origin: germline. Affected: yes.
Comment: Not observed at significant frequency in large population cohorts (gnomAD); In silico analysis supports that this missense variant has a deleterious effect on protein structure/function; Has not been previously published as pathogenic or benign to our knowledge